The following is an entry in ClinVar:

NM_002180.3(IGHMBP2):c.2617C>T (p.Pro873Ser)

Gene: IGHMBP2 (immunoglobulin mu DNA binding protein 2; plus strand). Cytogenetic location: 11q13.3.
Variant type: single nucleotide variant.
Coding change: c.2617C>T on transcript NM_002180.3 (MANE Select); coding-DNA position 2617, C replaced by T.
Protein change: p.Pro873Ser; replaces proline 873 with serine.
Molecular consequence: missense variant.
Genome position (GRCh38, 1-based): chr11:68,938,187, C>T. VCF-style: chr11-68938187-C-T. GRCh37 (hg19) VCF-style: chr11-68705655-C-T.
Other names: short protein forms P873S.
Identifiers: ClinVar variation 1793873 (VCV001793873.2), dbSNP rs914944175, ClinGen allele CA381654213.
Genomic context (GRCh38, chr11:68,938,187, plus strand): 5'-ATGAGGGGCCAGGTGTTGTCTTTCCGTTTGCCTGAGTGACGCGGGTCTTCTCCAGGACAT[C>T]CGGCCACAGATCTGCCCACGGAGGAGGACTTTGAGGCCCTGGTTTCTGCCGCCGTTAAGG-3'
Protein context (NP_002171.2, residues 863-883): EKKKKKAKGH[Pro873Ser]ATDLPTEEDF

ClinVar aggregate classification (germline): Uncertain significance (1 of 4 stars; one submission).

Conditions:
Inborn genetic diseases. Identifiers: MedGen C0950123, MeSH D030342.

Submission:

Ambry Genetics
Classification: Uncertain significance for Inborn genetic diseases. Last evaluated: 2019-09-28. Review status: criteria provided, single submitter. Criteria: Ambry Variant Classification Scheme 2023. Collection method: clinical testing. Allele origin: germline.
Comment: The p.P873S variant (also known as c.2617C>T), located in coding exon 14 of the IGHMBP2 gene, results from a C to T substitution at nucleotide position 2617. The proline at codon 873 is replaced by serine, an amino acid with similar properties. This amino acid position is poorly conserved in available vertebrate species. In addition, this alteration is predicted to be tolerated by in silico analysis. Since supporting evidence is limited at this time, the clinical significance of this alteration remains unclear.